The following is an entry in ClinVar:

ClinVar aggregate classification (germline): Benign (1 of 4 stars; one submission).

Submission:

CeGaT Center for Human Genetics Tuebingen
Classification: Benign. Last evaluated: 2022-11-01. Review status: criteria provided, single submitter. Criteria: CeGaT Center For Human Genetics Tuebingen Variant Classification Criteria Version 2. Collection method: clinical testing. Allele origin: germline. Affected: yes. Observed: 1 variant allele.
Comment: LCA5: BS1, BS2

NM_001122769.3(LCA5):c.*1114_*1116del

Gene: LCA5 (lebercilin LCA5; minus strand). Cytogenetic location: 6q14.1.
Variant type: Deletion.
Coding change: c.*1114_*1116del on transcript NM_001122769.3 (MANE Select); 1114 bases downstream of the stop codon through 1116 bases downstream of the stop codon, 3 bases deleted (TTG; older notation c.*1114_*1116delTTG).
Molecular consequence: 3 prime UTR variant.
Genome position (GRCh38, 1-based): chr6:79,485,888-79,485,890, CAA deleted on the plus strand (TTG on the coding strand, the reverse complement: LCA5 is on the minus strand); deleting any 3 consecutive bases within chr6:79,485,888-79,485,891 gives the same sequence; the c. name uses the placement nearest the transcript's 3' end. VCF-style (leftmost placement, unchanged base first): chr6-79485887-TCAA-T. GRCh37 (hg19) VCF-style: chr6-80195604-TCAA-T.
Other names: c.*1114_*1116del (NM_181714.4).
Identifiers: ClinVar variation 1879667 (VCV001879667.29), dbSNP rs531553621, ClinGen allele CA141859304.
Genomic context (GRCh38, chr6:79,485,887, plus strand): 5'-GGGCTGGTGGTATATTACTGCTTTTTAAAGACCAATCATACCCAGCATGATCCAAGGTCA[TCAA>T]CTTCTCTATAAGCTGAAGTGAATTACAAACAGCCAAAAGACCAATGCATTTAAACAGAAA-3'